The following is an entry in ClinVar:

ClinVar aggregate classification (germline): Likely pathogenic (1 of 4 stars; one submission).

Conditions:
Mucopolysaccharidosis, MPS-II (MPS2). Also called: Hunter Syndrome; IDURONATE 2-SULFATASE DEFICIENCY; Mucopolysaccharidosis Type II; Mucopolysaccharidosis type 2; Attenuated MPS (subtype; formerly known as mild MPS II); Severe MPS II. Identifiers: Orphanet 580, Orphanet 79388, MedGen C0026705, MONDO:0010674, OMIM 309900.

Submission:

Laboratory of Diagnosis and Therapy of Lysosomal Disorders, University of Padova
Classification: Likely pathogenic for Mucopolysaccharidosis, MPS-II. Last evaluated: 2024-06-07. Review status: criteria provided, single submitter. Criteria: ACMG Guidelines, 2015. Collection method: literature only. Allele origin: germline. Affected: yes. Observed: 2 variant alleles.
Comment: Located in a mutational hot spot and/or critical functional domain (PM1_Moderate), Absent from controls (or at low frequency) in gnomAD database (PM2_Moderate), Missense change at the same amino acid residue as a pathogenic variant (PM5_Moderate), Missense variant in a gene with a low rate of benign missense variation (PP2_Supporting), Multiple lines of computational evidence support a deleterious effect (PP3_Supporting), Patient’s phenotype or family history highly specific for the disease (PP4_Moderate)

Classification method: ACMG Guidelines [PMID:25741868] with modifications

Literature cited by the submitters: PubMed 24125893; PubMed 27146977.

NM_000202.8(IDS):c.134A>T (p.Asp45Val)

Gene: IDS (iduronate 2-sulfatase; minus strand). Cytogenetic location: Xq28.
Variant type: single nucleotide variant.
Coding change: c.134A>T on transcript NM_000202.8 (MANE Select); coding-DNA position 134, A replaced by T.
Protein change: p.Asp45Val; replaces aspartic acid 45 with valine.
Molecular consequence: missense variant. On other transcripts: 5 prime UTR variant (1), non-coding transcript variant (1).
Genome position (GRCh38, 1-based): chrX:149,504,263, T>A on the plus strand (A>T on the coding strand, the complement: IDS is on the minus strand). VCF-style: chrX-149504263-T-A. GRCh37 (hg19) VCF-style: chrX-148585793-T-A.
Other names: c.-93A>T (NM_001166550.4); c.134A>T, p.Asp45Val (NM_006123.5); short protein forms D45V.
Identifiers: ClinVar variation 3255863 (VCV003255863.2).